The following is an entry in ClinVar:

ClinVar aggregate classification (germline): Uncertain significance. Review status: criteria provided, multiple submitters, no conflicts (2 of 4 stars). 2 submissions from 2 submitters: Uncertain significance (2). Last evaluated 2026-07-28.

Conditions:
GPRASP2-related disorder. Also called: GPRASP2-related condition.

Allele frequency attached by ClinVar (database versions not stated): ExAC 0.00001; gnomAD exomes 0.00002; gnomAD 0.00003; TOPMed 0.00003.
gnomAD v4.1: 24 of 1,211,600 alleles (0.002%); highest among the groups gnomAD compares: Non-Finnish European, 0.0027%; no homozygotes.

Submissions (2):

PreventionGenetics, part of Exact Sciences
Classification: Uncertain significance for GPRASP2-related condition. Last evaluated: 2026-07-28. Review status: criteria provided, single submitter. Criteria: ACMG Guidelines, 2015. Collection method: clinical testing. Allele origin: germline.
Comment: The GPRASP2 c.287C>T variant is predicted to result in the amino acid substitution p.Ala96Val. To our knowledge, this variant has not been reported in the literature. This variant is reported in 0.0012% of alleles in individuals of European (Non-Finnish) descent in gnomAD, including nine hemizygotes in the larger gnomAD v4.1.1 database. Although we suspect that this variant may be benign, at this time, the clinical significance of this variant is uncertain due to the absence of conclusive functional and genetic evidence.

Ambry Genetics
Classification: Uncertain significance. Last evaluated: 2025-10-17. Review status: criteria provided, single submitter. Criteria: Ambry Variant Classification Scheme 2023. Collection method: clinical testing. Allele origin: germline.

NM_001004051.4(GPRASP2):c.287C>T (p.Ala96Val)

Genes: ARMCX5-GPRASP2 (ARMCX5-GPRASP2 readthrough; plus strand), GPRASP2 (G protein-coupled receptor associated sorting protein 2; plus strand). Cytogenetic location: Xq22.1.
Variant type: single nucleotide variant.
Coding change: c.287C>T on transcript NM_001004051.4 (MANE Select); coding-DNA position 287, C replaced by T.
Protein change: p.Ala96Val; replaces alanine 96 with valine.
Molecular consequence: missense variant. On other transcripts: intron variant (3).
Genome position (GRCh38, 1-based): chrX:102,715,156, C>T. VCF-style: chrX-102715156-C-T. GRCh37 (hg19) VCF-style: chrX-101970084-C-T.
Other names: c.-820+890C>T (NM_001350268.2); c.-752+890C>T (NM_001350269.2); c.-721+890C>T (NM_001350270.1); c.287C>T, p.Ala96Val (NM_001199818.1, NM_001184874.3, NM_001184875.3 and 2 more transcripts); c.287C>T (NM_138437.5); short protein forms A96V.
Identifiers: ClinVar variation 2588661 (VCV002588661.4), dbSNP rs759762709, ClinGen allele CA10476447.
Genomic context (GRCh38, chrX:102,715,156, plus strand): 5'-CTGAGGTCCAAGTAATGGGTGGTGCAAGACCCAAAACGGAGGCTCAAGGAATCACAGGGG[C>T]CAGGCCCAAAACCGATGCCAGGGCAGTAGGTGGCGCTCGTTCTAAAACTGATGCCAAGGC-3'
Protein context (NP_001004051.1, residues 86-106): PKTEAQGITG[Ala96Val]RPKTDARAVG